The following is an entry in ClinVar:

ClinVar aggregate classification (germline): Benign/Likely benign. Review status: criteria provided, multiple submitters, no conflicts (2 of 4 stars). 8 submissions from 8 submitters: Benign (5); Likely benign (2). 1 of the submissions does not count toward it. Last evaluated 2024-10-11.

Conditions:
Inborn genetic diseases. Identifiers: MedGen C0950123, MeSH D030342.
Dihydropyrimidine dehydrogenase deficiency (DPYDD). Also called: Hereditary Thymine-Uraciluria; DPD DEFICIENCY; DPYD DEFICIENCY. Identifiers: Orphanet 1675, MedGen C1959620, MONDO:0010130, OMIM 274270.

Allele frequency attached by ClinVar (database versions not stated): gnomAD exomes 0.00066 and 0.00188; ExAC 0.00235; 1000 Genomes Project 0.00519; 1000 Genomes Project 30x 0.00562; gnomAD 0.00726 and 0.00785; TOPMed 0.00849; ESP Exome Variant Server 0.00869.
gnomAD v4.1: 2,113 of 1,613,704 alleles (0.13%); highest among the groups gnomAD compares: African/African-American, 2.4%; 25 homozygotes.

Submissions (8):

ARUP Laboratories, Molecular Genetics and Genomics, ARUP Laboratories
Classification: Benign. Last evaluated: 2024-10-11. Review status: criteria provided, single submitter. Criteria: ARUP Molecular Germline Variant Investigation Process 2024. Collection method: clinical testing. Allele origin: germline.

Genome-Nilou Lab
Classification: Likely benign for Dihydropyrimidine dehydrogenase deficiency. Last evaluated: 2023-04-11. Review status: criteria provided, single submitter. Criteria: ACMG Guidelines, 2015. Collection method: clinical testing. Allele origin: germline. Affected: no.

Ambry Genetics
Classification: Likely benign for Inborn genetic diseases. Last evaluated: 2022-03-04. Review status: criteria provided, single submitter. Criteria: Ambry Variant Classification Scheme 2023. Collection method: clinical testing. Allele origin: germline.

Labcorp Genetics (formerly Invitae), Labcorp
Classification: Benign. Last evaluated: 2019-12-31. Review status: criteria provided, single submitter. Criteria: Invitae Variant Classification Sherloc (09022015). Collection method: clinical testing. Allele origin: germline.

Athena Diagnostics
Classification: Benign. Last evaluated: 2018-07-09. Review status: criteria provided, single submitter. Criteria: Athena Diagnostics Criteria. Collection method: clinical testing. Allele origin: germline.

Illumina Laboratory Services, Illumina
Classification: Benign for Dihydropyrimidine dehydrogenase deficiency. Last evaluated: 2017-04-28. Review status: criteria provided, single submitter. Criteria: ICSL Variant Classification Criteria 13 December 2019. Collection method: clinical testing. Allele origin: germline.
Comment: This variant was observed as part of a predisposition screen in an ostensibly healthy population. A literature search was performed for the gene, cDNA change, and amino acid change (where applicable). Publications were found based on this search. The evidence from the literature, in combination with allele frequency data from public databases where available, was sufficient to rule this variant out of causing disease. Therefore, this variant is classified as benign.

Breakthrough Genomics
Classification: Benign. Review status: criteria provided, single submitter. Criteria: ACMG Guidelines, 2015. Collection method: not provided. Allele origin: germline. Inheritance: Autosomal recessive inheritance. Affected: yes.

Diasio Lab,  Mayo Clinic
No classification provided. Review status: no classification provided. Collection method: not provided. Allele origin: unknown. Not counted in ClinVar's aggregate classification.

Literature cited by the submitters: PubMed 23588312 (cited by Athena Diagnostics and Illumina Laboratory Services, Illumina); PubMed 23960437 (cited by Illumina Laboratory Services, Illumina).

NM_000110.4(DPYD):c.1371C>T (p.Asn457=)

Gene: DPYD (dihydropyrimidine dehydrogenase; minus strand). Cytogenetic location: 1p21.3.
Variant type: single nucleotide variant.
Coding change: c.1371C>T on transcript NM_000110.4 (MANE Select); coding-DNA position 1371, C replaced by T.
Protein change: p.Asn457=; no amino-acid change (asparagine 457 retained).
Molecular consequence: synonymous variant.
Genome position (GRCh38, 1-based): chr1:97,549,713, G>A on the plus strand (C>T on the coding strand, the complement: DPYD is on the minus strand). VCF-style: chr1-97549713-G-A. GRCh37 (hg19) VCF-style: chr1-98015269-G-A.
Identifiers: ClinVar variation 100097 (VCV000100097.15), dbSNP rs57918000, ClinGen allele CA228131.
Genomic context (GRCh38, chr1:97,549,713, plus strand): 5'-AAATACCCATGCTTCACTAGTTTGCATAGTTTCTGGATCTACTTCTGGGAGACCCCATCT[G>A]TTAAATTTTATAGGGCTCAAGGCTTCTTTTACTGAAAAAACAAGTGAAAAACAATAGACA-3'
Protein context (NP_000101.2, residues 447-467): VKEALSPIKF[Asn457=]RWGLPEVDPE